The following is an entry in ClinVar:

ClinVar aggregate classification (germline): Pathogenic. Review status: criteria provided, multiple submitters, no conflicts (2 of 4 stars). 3 submissions from 3 submitters: Pathogenic (2). 1 of the submissions does not count toward it. Last evaluated 2022-09-05.

Conditions:
Cystic fibrosis (CF). Also called: MUCOVISCIDOSIS. Identifiers: Orphanet 586, MedGen C0010674, MONDO:0009061, OMIM 219700. Disease mechanism: loss of function.

Submissions (3):

Institute of Human Genetics, University of Leipzig Medical Center
Classification: Pathogenic for Cystic fibrosis. Last evaluated: 2022-09-05. Review status: criteria provided, single submitter. Criteria: ACMG Guidelines, 2015. Collection method: curation. Allele origin: unknown. Affected: yes. Observed: 1 variant allele.
Comment: The variant was classified in the context of a project re-classifying variants in the German Cystic Fibrosis Registry (Muko.e.V.). Criteria applied: PM4, PM2_SUP, PM3_VSTR, PP4

CFTR-France
Classification: Pathogenic for cystic fibrosis. Last evaluated: 2018-01-29. Review status: criteria provided, single submitter. Criteria: Claustres M et al. (Hum Mutat 2017). Collection method: curation. Allele origin: germline. Affected: yes.

ClinVar Staff, National Center for Biotechnology Information (NCBI)
No classification provided. Condition: CFTR-related disorders. Review status: no classification provided. Collection method: literature only. Allele origin: germline. Affected: yes. Not counted in ClinVar's aggregate classification.

Literature cited by the submitters: PubMed 18832460 (cited by ClinVar Staff, National Center for Biotechnology Information (NCBI)).

NM_000492.4(CFTR):c.54-1161_164+1603del

Gene: CFTR (CF transmembrane conductance regulator; plus strand). Cytogenetic location: 7q31.2.
Variant type: Deletion.
Coding change: c.54-1161_164+1603del on transcript NM_000492.4 (MANE Select); 1161 bases into the intron before coding-DNA position 54 through 1603 bases into the intron after coding-DNA position 164, 2,875 bases deleted.
Molecular consequence: splice acceptor variant, splice donor variant.
Genome position (GRCh38, 1-based): chr7:117,503,092-117,505,966, 2,875 bases deleted. GRCh37 (hg19): chr7:117,143,146-117,146,020.
Other names: CFTR-dele2; c.54-1161_164+1603del2875 (NM_000492.3).
Identifiers: ClinVar variation 53994 (VCV000053994.3), ClinGen allele CA327558.